The following is an entry in ClinVar:

NM_001166114.2(PNPLA6):c.890C>A (p.Thr297Asn)

Gene: PNPLA6 (patatin like domain 6, lysophospholipase; plus strand). Cytogenetic location: 19p13.2.
Variant type: single nucleotide variant.
Coding change: c.890C>A on transcript NM_001166114.2 (MANE Select); coding-DNA position 890, C replaced by A.
Protein change: p.Thr297Asn; replaces threonine 297 with asparagine.
Molecular consequence: missense variant.
Genome position (GRCh38, 1-based): chr19:7,541,017, C>A. VCF-style: chr19-7541017-C-A. GRCh37 (hg19) VCF-style: chr19-7605903-C-A.
Other names: c.917C>A, p.Thr306Asn (NM_001166111.2); c.773C>A, p.Thr258Asn (NM_001166112.2, NM_001166113.1, NM_006702.5); c.773C>A (NM_006702.4); short protein forms T297N, T306N, T258N.
Identifiers: ClinVar variation 1520819 (VCV001520819.7), dbSNP rs777868937, ClinGen allele CA403106754.

ClinVar aggregate classification (germline): Uncertain significance. Review status: criteria provided, multiple submitters, no conflicts (2 of 4 stars). 2 submissions from 2 submitters: Uncertain significance (2). Last evaluated 2022-09-27.

Conditions:
Inborn genetic diseases. Identifiers: MedGen C0950123, MeSH D030342.
Hereditary spastic paraplegia 39 (SPG39). Also called: Spastic Paraplegia Type 39 (SPG39); SPASTIC PARAPLEGIA 39, AUTOSOMAL RECESSIVE. Identifiers: Orphanet 139480, MedGen C2677586, MONDO:0012787, OMIM 612020.

Submissions (2):

Ambry Genetics
Classification: Uncertain significance for Inborn genetic diseases. Last evaluated: 2022-09-27. Review status: criteria provided, single submitter. Criteria: Ambry Variant Classification Scheme 2023. Collection method: clinical testing. Allele origin: germline.

Labcorp Genetics (formerly Invitae), Labcorp
Classification: Uncertain significance for Hereditary spastic paraplegia 39. Last evaluated: 2022-05-09. Review status: criteria provided, single submitter. Criteria: Invitae Variant Classification Sherloc (09022015). Collection method: clinical testing. Allele origin: germline.
Comment: This sequence change replaces threonine, which is neutral and polar, with asparagine, which is neutral and polar, at codon 258 of the PNPLA6 protein (p.Thr258Asn). This variant is not present in population databases (gnomAD no frequency). This variant has not been reported in the literature in individuals affected with PNPLA6-related conditions. Algorithms developed to predict the effect of missense changes on protein structure and function (SIFT, PolyPhen-2, Align-GVGD) all suggest that this variant is likely to be tolerated. In summary, the available evidence is currently insufficient to determine the role of this variant in disease. Therefore, it has been classified as a Variant of Uncertain Significance.